The following is an entry in ClinVar:

ClinVar aggregate classification (germline): Likely pathogenic (1 of 4 stars; one submission).

Allele frequency attached by ClinVar (database versions not stated): TOPMed below 0.00001; gnomAD 0.00001.
gnomAD v4.1: 1 of 1,576,336 alleles (0.000063%); highest among the groups gnomAD compares: Non-Finnish European, 0.000087%; no homozygotes.

Submission:

Labcorp Genetics (formerly Invitae), Labcorp
Classification: Likely pathogenic. Last evaluated: 2023-02-11. Review status: criteria provided, single submitter. Criteria: Invitae Variant Classification Sherloc (09022015). Collection method: clinical testing. Allele origin: germline.
Comment: This sequence change affects an acceptor splice site in intron 8 of the PEPD gene. It is expected to disrupt RNA splicing. Variants that disrupt the donor or acceptor splice site typically lead to a loss of protein function (PMID: 16199547), and loss-of-function variants in PEPD are known to be pathogenic (PMID: 8198124, 10721675, 12384772, 17142620). This variant is not present in population databases (gnomAD no frequency). This variant has not been reported in the literature in individuals affected with PEPD-related conditions. Algorithms developed to predict the effect of sequence changes on RNA splicing suggest that this variant may disrupt the consensus splice site. In summary, the currently available evidence indicates that the variant is pathogenic, but additional data are needed to prove that conclusively. Therefore, this variant has been classified as Likely Pathogenic.

Literature cited by the submitters: PubMed 16199547; PubMed 8198124; PubMed 10721675; PubMed 12384772; PubMed 17142620.

NM_000285.4(PEPD):c.625-1G>A

Gene: PEPD (peptidase D; minus strand). Cytogenetic location: 19q13.11.
Variant type: single nucleotide variant.
Coding change: c.625-1G>A on transcript NM_000285.4 (MANE Select); the canonical splice acceptor site of the intron before coding-DNA position 625, G replaced by A.
Molecular consequence: splice acceptor variant. On other transcripts: intron variant (1).
Genome position (GRCh38, 1-based): chr19:33,463,042, C>T on the plus strand (G>A on the coding strand, the complement: PEPD is on the minus strand). VCF-style: chr19-33463042-C-T. GRCh37 (hg19) VCF-style: chr19-33953948-C-T.
Other names: c.433-1G>A (NM_001166057.2); c.548+15004G>A (NM_001166056.2).
Identifiers: ClinVar variation 2836307 (VCV002836307.3), dbSNP rs1273049043, ClinGen allele CA405230666.